The following is an entry in ClinVar:

NC_000007.13:g.(?_146740989)_(146741156_?)del

Gene: CNTNAP2 (contactin associated protein 2; plus strand). Cytogenetic location: 7q35.
Variant type: Deletion.
Identifiers: ClinVar variation 1075739 (VCV001075739.1).

ClinVar aggregate classification (germline): Pathogenic (1 of 4 stars; one submission).

Conditions:
Cortical dysplasia-focal epilepsy syndrome (PTHSL1). Also called: Pitt-Hopkins-like syndrome 1. Identifiers: Orphanet 163681, Orphanet 221150, MedGen C2750246, MONDO:0012400, OMIM 610042.

Submission:

Labcorp Genetics (formerly Invitae), Labcorp
Classification: Pathogenic for Cortical dysplasia-focal epilepsy syndrome. Last evaluated: 2020-07-21. Review status: criteria provided, single submitter. Criteria: Invitae Variant Classification Sherloc (09022015). Collection method: clinical testing. Allele origin: germline.
Comment: This variant is an out-of-frame deletion of the genomic region encompassing exon 4 of the CNTNAP2 gene. This creates a premature translational stop signal and is expected to result in an absent or disrupted protein product. This variant has not been reported in the literature in individuals with CNTNAP2-related disease. Loss-of-function variants in CNTNAP2 are known to be pathogenic (PMID: 19896112, 25045150, 26843181). For these reasons, this variant has been classified as Pathogenic.

Literature cited by the submitters: PubMed 19896112; PubMed 25045150; PubMed 26843181.